The following is an entry in ClinVar:

ClinVar aggregate classification (germline): Uncertain significance (1 of 4 stars; one submission).

Conditions:
Pulmonary fibrosis and/or bone marrow failure, Telomere-related, 3. Also called: PULMONARY FIBROSIS AND/OR BONE MARROW FAILURE SYNDROME, TELOMERE-RELATED, 3. Identifiers: Orphanet 2032, MedGen C4225346, MONDO:0014613, OMIM 616373.
Dyskeratosis congenita, autosomal recessive 5 (DKCB5). Identifiers: MedGen C3554656, MONDO:0014076, OMIM 615190.

gnomAD v4.1: 2 of 1,612,560 alleles (0.00012%); highest among the groups gnomAD compares: Admixed American, 0.0033%; no homozygotes.

Submission:

Labcorp Genetics (formerly Invitae), Labcorp
Classification: Uncertain significance for Dyskeratosis congenita, autosomal recessive 5; Pulmonary fibrosis and/or bone marrow failure, Telomere-related, 3. Last evaluated: 2022-05-27. Review status: criteria provided, single submitter. Criteria: Invitae Variant Classification Sherloc (09022015). Collection method: clinical testing. Allele origin: germline.
Comment: This sequence change replaces serine, which is neutral and polar, with cysteine, which is neutral and slightly polar, at codon 925 of the RTEL1 protein (p.Ser925Cys). This variant is present in population databases (rs770018942, gnomAD 0.006%). This variant has not been reported in the literature in individuals affected with RTEL1-related conditions. Algorithms developed to predict the effect of missense changes on protein structure and function are either unavailable or do not agree on the potential impact of this missense change (SIFT: "Tolerated"; PolyPhen-2: "Probably Damaging"; Align-GVGD: "Class C0"). In summary, the available evidence is currently insufficient to determine the role of this variant in disease. Therefore, it has been classified as a Variant of Uncertain Significance.

NM_001283009.2(RTEL1):c.2774C>G (p.Ser925Cys)

Genes: RTEL1 (regulator of telomere elongation helicase 1; plus strand), RTEL1-TNFRSF6B (RTEL1-TNFRSF6B readthrough (NMD candidate); plus strand). Cytogenetic location: 20q13.33.
Variant type: single nucleotide variant.
Coding change: c.2774C>G on transcript NM_001283009.2 (MANE Select); coding-DNA position 2774, C replaced by G.
Protein change: p.Ser925Cys; replaces serine 925 with cysteine.
Molecular consequence: missense variant. On other transcripts: non-coding transcript variant (1).
Genome position (GRCh38, 1-based): chr20:63,692,926, C>G. VCF-style: chr20-63692926-C-G. GRCh37 (hg19) VCF-style: chr20-62324279-C-G.
Other names: c.2105C>G, p.Ser702Cys (NM_001283010.1); c.2774C>G, p.Ser925Cys (NM_016434.4); c.2846C>G, p.Ser949Cys (NM_032957.5); short protein forms S925C, S702C, S949C.
Identifiers: ClinVar variation 1353445 (VCV001353445.3), dbSNP rs770018942, ClinGen allele CA9965528.
Genomic context (GRCh38, chr20:63,692,926, plus strand): 5'-AGGAGTTGAGCCAAGCCAACTTTGCCACCTTCACCCAGGCCCTGCAGGACTACAAGGGTT[C>G]CGATGACTTCGCCGCCCTGGCCGCCTGTCTCGGCCCCCTCTTTGCTGAGGACCCCAAGAA-3'
Protein context (NP_001269938.1, residues 915-935): FTQALQDYKG[Ser925Cys]DDFAALAACL